The following is an entry in ClinVar:

ClinVar aggregate classification (germline): Uncertain significance. Review status: criteria provided, multiple submitters, no conflicts (2 of 4 stars). 2 submissions from 2 submitters: Uncertain significance (2). Last evaluated 2023-03-04.

Conditions:
Inborn genetic diseases. Identifiers: MedGen C0950123, MeSH D030342.

Submissions (2):

Labcorp Genetics (formerly Invitae), Labcorp
Classification: Uncertain significance. Last evaluated: 2023-03-04. Review status: criteria provided, single submitter. Criteria: Invitae Variant Classification Sherloc (09022015). Collection method: clinical testing. Allele origin: germline.
Comment: This sequence change replaces threonine, which is neutral and polar, with isoleucine, which is neutral and non-polar, at codon 448 of the ATR protein (p.Thr448Ile). This variant is not present in population databases (gnomAD no frequency). This variant has not been reported in the literature in individuals affected with ATR-related conditions. ClinVar contains an entry for this variant (Variation ID: 1770410). An algorithm developed to predict the effect of missense changes on protein structure and function (PolyPhen-2) suggests that this variant is likely to be tolerated. In summary, the available evidence is currently insufficient to determine the role of this variant in disease. Therefore, it has been classified as a Variant of Uncertain Significance.

Ambry Genetics
Classification: Uncertain significance for Inborn genetic diseases. Last evaluated: 2022-03-01. Review status: criteria provided, single submitter. Criteria: Ambry Variant Classification Scheme 2023. Collection method: clinical testing. Allele origin: germline.
Comment: The p.T448I variant (also known as c.1343C>T), located in coding exon 5 of the ATR gene, results from a C to T substitution at nucleotide position 1343. The threonine at codon 448 is replaced by isoleucine, an amino acid with similar properties. This amino acid position is conserved. In addition, this alteration is predicted to be tolerated by in silico analysis. Since supporting evidence is limited at this time, the clinical significance of this alteration remains unclear.

NM_001184.4(ATR):c.1343C>T (p.Thr448Ile)

Gene: ATR (ATR checkpoint kinase; minus strand). Cytogenetic location: 3q23.
Variant type: single nucleotide variant.
Coding change: c.1343C>T on transcript NM_001184.4 (MANE Select); coding-DNA position 1343, C replaced by T.
Protein change: p.Thr448Ile; replaces threonine 448 with isoleucine.
Molecular consequence: missense variant.
Genome position (GRCh38, 1-based): chr3:142,561,249, G>A on the plus strand (C>T on the coding strand, the complement: ATR is on the minus strand). VCF-style: chr3-142561249-G-A. GRCh37 (hg19) VCF-style: chr3-142280091-G-A.
Other names: c.1343C>T, p.Thr448Ile (NM_001354579.2); short protein forms T448I.
Identifiers: ClinVar variation 1770410 (VCV001770410.5), dbSNP rs2473420975, ClinGen allele CA354823124.